The following is an entry in ClinVar:

NM_032444.4(SLX4):c.107A>T (p.Glu36Val)

Gene: SLX4 (SLX4 structure-specific endonuclease subunit; minus strand). Cytogenetic location: 16p13.3.
Variant type: single nucleotide variant.
Coding change: c.107A>T on transcript NM_032444.4 (MANE Select); coding-DNA position 107, A replaced by T.
Protein change: p.Glu36Val; replaces glutamic acid 36 with valine.
Molecular consequence: missense variant.
Genome position (GRCh38, 1-based): chr16:3,608,858, T>A on the plus strand (A>T on the coding strand, the complement: SLX4 is on the minus strand). VCF-style: chr16-3608858-T-A. GRCh37 (hg19) VCF-style: chr16-3658859-T-A.
Other names: c.107A>T (LRG_503t1); short protein forms E36V.
Identifiers: ClinVar variation 407940 (VCV000407940.10), dbSNP rs370082083, ClinGen allele CA7866950.

ClinVar aggregate classification (germline): Uncertain significance. Review status: criteria provided, multiple submitters, no conflicts (2 of 4 stars). 3 submissions from 3 submitters: Uncertain significance (3). Last evaluated 2025-11-17.

Conditions:
Fanconi anemia complementation group P. Also called: SLX4-Related Fanconi Anemia. Identifiers: Orphanet 84, MedGen C3469542, MONDO:0013499, OMIM 613951.
Fanconi anemia (FA). Also called: Fanconi's anemia. Identifiers: Orphanet 84, MedGen C0015625, MeSH D005199, MONDO:0019391.

Allele frequency attached by ClinVar (database versions not stated): ExAC 0.00003; TOPMed 0.00007; ESP Exome Variant Server 0.00015.
gnomAD v4.1: 233 of 1,614,076 alleles (0.014%); highest among the groups gnomAD compares: Non-Finnish European, 0.019%; no homozygotes.

Submissions (3):

Labcorp Genetics (formerly Invitae), Labcorp
Classification: Uncertain significance for Fanconi anemia. Last evaluated: 2025-11-17. Review status: criteria provided, single submitter. Criteria: Invitae Variant Classification Sherloc (09022015). Collection method: clinical testing. Allele origin: germline.
Comment: This sequence change replaces glutamic acid, which is acidic and polar, with valine, which is neutral and non-polar, at codon 36 of the SLX4 protein (p.Glu36Val). This variant is present in population databases (rs370082083, gnomAD 0.007%). This variant has not been reported in the literature in individuals affected with SLX4-related conditions. ClinVar contains an entry for this variant (Variation ID: 407940). An algorithm developed to predict the effect of missense changes on protein structure and function (PolyPhen-2) suggests that this variant is likely to be tolerated. In summary, the available evidence is currently insufficient to determine the role of this variant in disease. Therefore, it has been classified as a Variant of Uncertain Significance.

Fulgent Genetics
Classification: Uncertain significance for Fanconi anemia complementation group P. Last evaluated: 2024-06-25. Review status: criteria provided, single submitter. Criteria: ACMG Guidelines, 2015. Collection method: clinical testing. Allele origin: germline.

Genetic Services Laboratory, University of Chicago
Classification: Uncertain significance. Last evaluated: 2020-11-19. Review status: criteria provided, single submitter. Criteria: ACMG Guidelines, 2015. Collection method: clinical testing. Allele origin: germline. Affected: no.
Comment: This sequence change does not appear to have been previously described in patients with SLX4-related disorders and has been described in the gnomAD database with a low population frequency of 0.0036% (dbSNP rs370082083). The p.Glu36Val change affects a poorly conserved amino acid residue located in a domain of the SLX4 protein that is not known to be functional. In-silico pathogenicity prediction tools (SIFT, PolyPhen2, Align GVGD, REVEL) provide contradictory results for the p.Glu36Val substitution. Due to these contrasting evidences and the lack of functional studies, the clinical significance of the p.Glu36Val change remains unknown at this time.